The following is an entry in ClinVar:

ClinVar aggregate classification (germline): Uncertain significance (1 of 4 stars; one submission).

Submission:

GeneDx
Classification: Uncertain significance. Last evaluated: 2025-05-20. Review status: criteria provided, single submitter. Criteria: GeneDx Variant Classification Process June 2021. Collection method: clinical testing. Allele origin: germline. Affected: yes.
Comment: Not observed at significant frequency in large population cohorts (gnomAD); In silico analysis supports that this missense variant has a deleterious effect on protein structure/function; Has not been previously published as pathogenic or benign to our knowledge

NM_139137.4(KCNC2):c.671C>G (p.Ser224Trp)

Gene: KCNC2 (potassium voltage-gated channel subfamily C member 2; minus strand). Cytogenetic location: 12q21.1.
Variant type: single nucleotide variant.
Coding change: c.671C>G on transcript NM_139137.4 (MANE Select); coding-DNA position 671, C replaced by G.
Protein change: p.Ser224Trp; replaces serine 224 with tryptophan.
Molecular consequence: missense variant. On other transcripts: non-coding transcript variant (2).
Genome position (GRCh38, 1-based): chr12:75,207,313, G>C on the plus strand (C>G on the coding strand, the complement: KCNC2 is on the minus strand). VCF-style: chr12-75207313-G-C. GRCh37 (hg19) VCF-style: chr12-75601093-G-C.
Other names: c.671C>G, p.Ser224Trp (NM_001260497.2, NM_001260498.2, NM_001260499.2 and 13 more transcripts); short protein forms S224W.
Identifiers: ClinVar variation 4530847 (VCV004530847.1).
Genomic context (GRCh38, chr12:75,207,313, plus strand): 5'-GGGAGAAGTTGAAGCAGCAGGGAAGGGGTCGATTCTGGCCTTACCCTGGCGGCTCTGGAC[G>C]AGTAGGGGTCTTCGAAGAGGGCCCACATGCGGGGCTGCAGCCTCCTCCAGCGGCCAGATT-3'
Protein context (NP_631875.1, residues 214-234): RMWALFEDPY[Ser224Trp]SRAARFIAFA